The following is an entry in ClinVar:

NM_000443.4(ABCB4):c.1430A>T (p.Gln477Leu)

Gene: ABCB4 (ATP binding cassette subfamily B member 4; minus strand). Cytogenetic location: 7q21.12.
Variant type: single nucleotide variant.
Coding change: c.1430A>T on transcript NM_000443.4 (MANE Select); coding-DNA position 1430, A replaced by T.
Protein change: p.Gln477Leu; replaces glutamine 477 with leucine.
Molecular consequence: missense variant.
Genome position (GRCh38, 1-based): chr7:87,440,329, T>A on the plus strand (A>T on the coding strand, the complement: ABCB4 is on the minus strand). VCF-style: chr7-87440329-T-A. GRCh37 (hg19) VCF-style: chr7-87069645-T-A.
Other names: c.1430A>T, p.Gln477Leu (NM_018849.3, NM_018850.3); short protein forms Q477L.
Identifiers: ClinVar variation 4846587 (VCV004846587.1).

ClinVar aggregate classification (germline): Uncertain significance (1 of 4 stars; one submission).

Conditions:
Low phospholipid associated cholelithiasis (GBD1). Also called: Gallbladder disease 1; Gallstone cholecystitis. Identifiers: Orphanet 69663, MedGen C2609268, MONDO:0010939, OMIM 600803.

Submission:

Genomenon, Inc
Classification: Uncertain significance for Low phospholipid associated cholelithiasis. Last evaluated: 2026-04-14. Review status: criteria provided, single submitter. Criteria: Genomenon Sequence Variant Interpretation Standards - Updated. Collection method: curation. Allele origin: germline. Affected: yes.
Comment: ABCB4 p.Gln477Leu (c.1430A>T) is a missense variant that changes the amino acid at residue 477 from Glutamine to Leucine. This variant has been observed in at least one proband with an ABCB4-related disorder (PMID:37566928). It is absent or not present at a significant frequency in gnomAD. In silico models predict that this variant is possibly or probably damaging. In conclusion, we classify ABCB4 p.Gln477Leu (c.1430A>T) as a variant of uncertain significance.

Literature cited by the submitters: PubMed 37566928.